The following is an entry in ClinVar:

ClinVar aggregate classification (germline): Benign (1 of 4 stars; one submission).

Allele frequency attached by ClinVar (database versions not stated): gnomAD 0.06764 and 0.07220; TOPMed 0.06800; 1000 Genomes Project 30x 0.08479; 1000 Genomes Project 0.09046; gnomAD exomes 0.09803.
gnomAD v4.1: 116,328 of 1,227,530 alleles (9.5%); highest among the groups gnomAD compares: East Asian, 18%; 6,323 homozygotes.

Submission:

GeneDx
Classification: Benign. Last evaluated: 2018-06-14. Review status: criteria provided, single submitter. Criteria: GeneDx Variant Classification (06012015). Collection method: clinical testing. Allele origin: germline. Affected: yes.
Comment: This variant is considered likely benign or benign based on one or more of the following criteria: it is a conservative change, it occurs at a poorly conserved position in the protein, it is predicted to be benign by multiple in silico algorithms, and/or has population frequency not consistent with disease.

NM_182961.4(SYNE1):c.11901+128C>T

Gene: SYNE1 (spectrin repeat containing nuclear envelope protein 1; minus strand). Cytogenetic location: 6q25.2.
Variant type: single nucleotide variant.
Coding change: c.11901+128C>T on transcript NM_182961.4 (MANE Select); 128 bases into the intron after coding-DNA position 11901, C replaced by T.
Molecular consequence: intron variant.
Genome position (GRCh38, 1-based): chr6:152,350,040, G>A on the plus strand (C>T on the coding strand, the complement: SYNE1 is on the minus strand). VCF-style: chr6-152350040-G-A. GRCh37 (hg19) VCF-style: chr6-152671175-G-A.
Other names: c.11688+578C>T (NM_033071.5).
Identifiers: ClinVar variation 672224 (VCV000672224.1), dbSNP rs4870099, ClinGen allele CA12420389.